The following is an entry in ClinVar:

NM_000135.4(FANCA):c.422A>G (p.Gln141Arg)

Gene: FANCA (FA complementation group A; minus strand). Cytogenetic location: 16q24.3.
Variant type: single nucleotide variant.
Coding change: c.422A>G on transcript NM_000135.4 (MANE Select); coding-DNA position 422, A replaced by G.
Protein change: p.Gln141Arg; replaces glutamine 141 with arginine.
Molecular consequence: missense variant.
Genome position (GRCh38, 1-based): chr16:89,810,933, T>C on the plus strand (A>G on the coding strand, the complement: FANCA is on the minus strand). VCF-style: chr16-89810933-T-C. GRCh37 (hg19) VCF-style: chr16-89877341-T-C.
Other names: c.422A>G, p.Gln141Arg (NM_001018112.3, NM_001286167.3, NM_001351830.2); short protein forms Q141R.
Identifiers: ClinVar variation 4775738 (VCV004775738.1).
Genomic context (GRCh38, chr16:89,810,933, plus strand): 5'-CCAACCAGCTTAAAAGTAACAACGGGCAGGTTTCCTCATCTTTGCTGGTGTCTTACTCTC[T>C]GCTCCACAGTCAGCAGCACAGGGTGACTGGTCTCCGCTGGAGCCGTGCAGATCTGTCCCA-3'
Protein context (NP_000126.2, residues 131-151): TSHPVLLTVE[Gln141Arg]RKKLSSLLEF

ClinVar aggregate classification (germline): Uncertain significance (1 of 4 stars; one submission).

Conditions:
Fanconi anemia (FA). Also called: Fanconi's anemia. Identifiers: Orphanet 84, MedGen C0015625, MeSH D005199, MONDO:0019391.

Submission:

Labcorp Genetics (formerly Invitae), Labcorp
Classification: Uncertain significance for Fanconi anemia. Last evaluated: 2025-05-02. Review status: criteria provided, single submitter. Criteria: Invitae Variant Classification Sherloc (09022015). Collection method: clinical testing. Allele origin: germline.
Comment: This sequence change replaces glutamine, which is neutral and polar, with arginine, which is basic and polar, at codon 141 of the FANCA protein (p.Gln141Arg). This variant is not present in population databases (gnomAD no frequency). This variant has not been reported in the literature in individuals affected with FANCA-related conditions. Invitae Evidence Modeling of protein sequence and biophysical properties (such as structural, functional, and spatial information, amino acid conservation, physicochemical variation, residue mobility, and thermodynamic stability) has been performed for this missense variant. However, the output from this modeling did not meet the statistical confidence thresholds required to predict the impact of this variant on FANCA protein function. In summary, the available evidence is currently insufficient to determine the role of this variant in disease. Therefore, it has been classified as a Variant of Uncertain Significance.